The following is an entry in ClinVar:

NM_014055.4(IFT81):c.1764dup (p.Ile589fs)

Gene: IFT81 (intraflagellar transport 81; plus strand). Cytogenetic location: 12q24.11.
Variant type: Duplication.
Coding change: c.1764dup on transcript NM_014055.4 (MANE Select); coding-DNA position 1764, one base duplicated (T; older notation c.1764dupT).
Protein change: p.Ile589fs; shifts the reading frame from isoleucine 589.
Molecular consequence: frameshift variant. On other transcripts: non-coding transcript variant (4).
Genome position (GRCh38, 1-based): chr12:110,205,642, T duplicated. VCF-style (leftmost placement, unchanged base first): chr12-110205641-A-AT. GRCh37 (hg19) VCF-style: chr12-110643446-A-AT.
Other names: c.1764dup, p.Ile589fs (NM_001143779.2); c.834dup, p.Ile279fs (NM_001347947.2, NM_001347948.2); short protein forms I279fs, I589fs.
Identifiers: ClinVar variation 1457611 (VCV001457611.6), dbSNP rs2137588853, ClinGen allele CA2573147999.

ClinVar aggregate classification (germline): Pathogenic (1 of 4 stars; one submission).

Submission:

Labcorp Genetics (formerly Invitae), Labcorp
Classification: Pathogenic. Last evaluated: 2021-10-22. Review status: criteria provided, single submitter. Criteria: Invitae Variant Classification Sherloc (09022015). Collection method: clinical testing. Allele origin: germline.
Comment: For these reasons, this variant has been classified as Pathogenic. This variant has not been reported in the literature in individuals affected with IFT81-related conditions. This variant is not present in population databases (ExAC no frequency). This sequence change creates a premature translational stop signal (p.Ile589Tyrfs*4) in the IFT81 gene. It is expected to result in an absent or disrupted protein product. Loss-of-function variants in IFT81 are known to be pathogenic (PMID: 26275418, 27666822).

Literature cited by the submitters: PubMed 26275418; PubMed 27666822.